The following is an entry in ClinVar:

ClinVar aggregate classification (germline): Uncertain significance (1 of 4 stars; one submission).

Conditions:
RYR1-related disorder. Also called: RYR1-related condition; RYR1-related disorders. Identifiers: MedGen CN239331.

Submission:

Labcorp Genetics (formerly Invitae), Labcorp
Classification: Uncertain significance for RYR1-related disorder. Last evaluated: 2022-06-14. Review status: criteria provided, single submitter. Criteria: Invitae Variant Classification Sherloc (09022015). Collection method: clinical testing. Allele origin: germline.
Comment: This variant, c.13476_13487del, results in the deletion of 4 amino acid(s) of the RYR1 protein (p.Pro4495_Glu4498del), but otherwise preserves the integrity of the reading frame. This variant is not present in population databases (gnomAD no frequency). This variant has not been reported in the literature in individuals affected with RYR1-related conditions. Experimental studies and prediction algorithms are not available or were not evaluated, and the functional significance of this variant is currently unknown. In summary, the available evidence is currently insufficient to determine the role of this variant in disease. Therefore, it has been classified as a Variant of Uncertain Significance.

NM_000540.3(RYR1):c.13476_13487del (p.4489PE[3])

Gene: RYR1 (ryanodine receptor 1; plus strand). Cytogenetic location: 19q13.2.
Variant type: Deletion.
Coding change: c.13476_13487del on transcript NM_000540.3 (MANE Select); coding-DNA positions 13476 to 13487, 12 bases deleted (GCCCGAGCCGGA).
Protein change: p.4489PE[3].
Molecular consequence: inframe deletion.
Genome position (GRCh38, 1-based): chr19:38,566,949-38,566,960, GCCCGAGCCGGA deleted; deleting any 12 consecutive bases within chr19:38,566,947-38,566,960 gives the same sequence; the c. name uses the placement nearest the transcript's 3' end. VCF-style (leftmost placement, unchanged base first): chr19-38566946-AGAGCCCGAGCCG-A. GRCh37 (hg19) VCF-style: chr19-39057586-AGAGCCCGAGCCG-A.
Other names: c.13461_13472del, p.4484PE[3] (NM_001042723.2).
Identifiers: ClinVar variation 1518552 (VCV001518552.8), dbSNP rs2145852626, ClinGen allele CA2573156349.